The following is an entry in ClinVar:

NM_003070.5(SMARCA2):c.4644_4655del (p.Arg1549_Gly1552del)

Gene: SMARCA2 (SWI/SNF related BAF chromatin remodeling complex subunit ATPase 2; plus strand). Cytogenetic location: 9p24.3.
Variant type: Deletion.
Coding change: c.4644_4655del on transcript NM_003070.5 (MANE Select); coding-DNA positions 4644 to 4655, 12 bases deleted (CCGGGACAAAGG).
Protein change: p.Arg1549_Gly1552del.
Molecular consequence: inframe deletion. On other transcripts: inframe indel (3).
Genome position (GRCh38, 1-based): chr9:2,191,315-2,191,326, CCGGGACAAAGG deleted; deleting any 12 consecutive bases within chr9:2,191,307-2,191,326 gives the same sequence; the c. name uses the placement nearest the transcript's 3' end. VCF-style (leftmost placement, unchanged base first): chr9-2191306-TGACAAAGGCCGG-T. GRCh37 (hg19) VCF-style: chr9-2191306-TGACAAAGGCCGG-T.
Other names: c.4644_4655delCCGGGACAAAGG, p.Arg1549_Gly1552del (NM_001289396.2); c.4416_4427del, p.Arg1473_Gly1476del (NM_001289397.2); c.618_629del, p.Arg207_Gly210del (NM_001289398.2); c.702_713delCCGGGACAAAGG, p.Arg235_Gly238del (NM_001289399.2); c.708_719delCCGGGACAAAGG, p.Arg237_Gly240del (NM_001289400.2); c.4590_4601del, p.Arg1531_Gly1534del (NM_139045.4).
Identifiers: ClinVar variation 2984218 (VCV002984218.3), dbSNP rs771081707, ClinGen allele CA4964272.

ClinVar aggregate classification (germline): Uncertain significance (1 of 4 stars; one submission).

Submission:

Labcorp Genetics (formerly Invitae), Labcorp
Classification: Uncertain significance. Last evaluated: 2023-09-11. Review status: criteria provided, single submitter. Criteria: Invitae Variant Classification Sherloc (09022015). Collection method: clinical testing. Allele origin: germline.
Comment: This variant has not been reported in the literature in individuals affected with SMARCA2-related conditions. This variant is present in population databases (rs771081707, gnomAD 0.02%). This variant, c.4644_4655del, results in the deletion of 4 amino acid(s) of the SMARCA2 protein (p.Arg1549_Gly1552del), but otherwise preserves the integrity of the reading frame. Experimental studies and prediction algorithms are not available or were not evaluated, and the functional significance of this variant is currently unknown. In summary, the available evidence is currently insufficient to determine the role of this variant in disease. Therefore, it has been classified as a Variant of Uncertain Significance.